The following is an entry in ClinVar:

NC_000013.11:g.48303692C>T

Genes: RB1 (RB transcriptional corepressor 1; plus strand), RB1-DT (RB1 divergent transcript; minus strand). Cytogenetic location: 13q14.2.
Variant type: single nucleotide variant.
Molecular consequence: non-coding transcript variant (on NR_046414.2).
Genome position: GRCh38 VCF-style: chr13-48303692-C-T. GRCh37 (hg19) VCF-style: chr13-48877828-C-T.
Identifiers: ClinVar variation 4695523 (VCV004695523.1).

ClinVar aggregate classification (germline): Uncertain significance (1 of 4 stars; one submission).

Conditions:
Retinoblastoma (RB1). Also called: RETINOBLASTOMA, SOMATIC. Identifiers: Orphanet 790, MedGen C0035335, MeSH D012175, MONDO:0008380, OMIM 180200, HP:0009919. Disease mechanism: loss of function. Inheritance: Both sporadic and heritable forms are tested..

Submission:

Labcorp Genetics (formerly Invitae), Labcorp
Classification: Uncertain significance for Retinoblastoma. Last evaluated: 2025-08-06. Review status: criteria provided, single submitter. Criteria: Invitae Variant Classification Sherloc (09022015). Collection method: clinical testing. Allele origin: germline.
Comment: This variant occurs in a non-coding region of the RB1 gene. It does not change the encoded amino acid sequence of the RB1 protein. This variant is not present in population databases (gnomAD no frequency). This variant has not been reported in the literature in individuals affected with RB1-related conditions. Experimental studies and prediction algorithms are not available or were not evaluated, and the functional significance of this variant is currently unknown. In summary, the available evidence is currently insufficient to determine the role of this variant in disease. Therefore, it has been classified as a Variant of Uncertain Significance.